The following is an entry in ClinVar:

ClinVar aggregate classification (germline): Uncertain significance (1 of 4 stars; one submission).

Conditions:
Inborn genetic diseases. Identifiers: MedGen C0950123, MeSH D030342.

gnomAD v4.1: 3 of 1,614,104 alleles (0.00019%); highest among the groups gnomAD compares: Non-Finnish European, 0.00025%; no homozygotes.

Submission:

Ambry Genetics
Classification: Uncertain significance for Inborn genetic diseases. Last evaluated: 2026-01-14. Review status: criteria provided, single submitter. Criteria: Ambry Variant Classification Scheme 2023. Collection method: clinical testing. Allele origin: germline.
Comment: The p.V37I variant (also known as c.109G>A), located in coding exon 2 of the CEP57 gene, results from a G to A substitution at nucleotide position 109. The valine at codon 37 is replaced by isoleucine, an amino acid with highly similar properties. This amino acid position is conserved. In addition, this alteration is predicted to be tolerated by in silico analysis. Based on the available evidence, the clinical significance of this variant remains unclear.

NM_014679.5(CEP57):c.109G>A (p.Val37Ile)

Gene: CEP57 (centrosomal protein 57; plus strand). Cytogenetic location: 11q21.
Variant type: single nucleotide variant.
Coding change: c.109G>A on transcript NM_014679.5 (MANE Select); coding-DNA position 109, G replaced by A.
Protein change: p.Val37Ile; replaces valine 37 with isoleucine.
Molecular consequence: missense variant.
Genome position (GRCh38, 1-based): chr11:95,799,295, G>A. VCF-style: chr11-95799295-G-A. GRCh37 (hg19) VCF-style: chr11-95532459-G-A.
Other names: c.82G>A, p.Val28Ile (NM_001243776.2); c.109G>A, p.Val37Ile (NM_001243777.2, NM_001440871.1, NM_001440872.1 and 6 more transcripts); c.28G>A, p.Val10Ile (NM_001363604.2, NM_001440869.1, NM_001440870.1 and 4 more transcripts); short protein forms V10I, V28I, V37I.
Identifiers: ClinVar variation 4842321 (VCV004842321.1).
Genomic context (GRCh38, chr11:95,799,295, plus strand): 5'-AGCTTTGCTGAGCCATCAAGGTCTAATGGAAGCATGGTTCGGCATTCTTCATCTCCATAT[G>A]TAGTATATCCTTCGGATAAGCCTTTCCTTAATAGTGATCTACGACGCTCCCCAAGTAAGC-3'
Protein context (NP_055494.2, residues 27-47): SMVRHSSSPY[Val37Ile]VYPSDKPFLN